The following is an entry in ClinVar:

ClinVar aggregate classification (germline): Uncertain significance. Review status: criteria provided, multiple submitters, no conflicts (2 of 4 stars). 3 submissions from 3 submitters: Uncertain significance (3). Last evaluated 2025-06-10.

Conditions:
Inborn genetic diseases. Identifiers: MedGen C0950123, MeSH D030342.

Allele frequency attached by ClinVar (database versions not stated): 1000 Genomes Project 30x 0.00016; 1000 Genomes Project 0.00020.
gnomAD v4.1: 41 of 1,613,956 alleles (0.0025%); highest among the groups gnomAD compares: Admixed American, 0.022%; no homozygotes.

Submissions (3):

Ambry Genetics
Classification: Uncertain significance for Inborn genetic diseases. Last evaluated: 2025-06-10. Review status: criteria provided, single submitter. Criteria: Ambry Variant Classification Scheme 2023. Collection method: clinical testing. Allele origin: germline.

Labcorp Genetics (formerly Invitae), Labcorp
Classification: Uncertain significance. Last evaluated: 2025-01-29. Review status: criteria provided, single submitter. Criteria: Invitae Variant Classification Sherloc (09022015). Collection method: clinical testing. Allele origin: germline.
Comment: This sequence change replaces glutamine, which is neutral and polar, with lysine, which is basic and polar, at codon 19 of the LAMB3 protein (p.Gln19Lys). This variant is present in population databases (rs200672750, gnomAD 0.03%). This variant has not been reported in the literature in individuals affected with LAMB3-related conditions. ClinVar contains an entry for this variant (Variation ID: 2387849). An algorithm developed to predict the effect of missense changes on protein structure and function (PolyPhen-2) suggests that this variant is likely to be tolerated. In summary, the available evidence is currently insufficient to determine the role of this variant in disease. Therefore, it has been classified as a Variant of Uncertain Significance.

GeneDx
Classification: Uncertain significance. Last evaluated: 2024-12-12. Review status: criteria provided, single submitter. Criteria: GeneDx Variant Classification Process June 2021. Collection method: clinical testing. Allele origin: germline. Affected: yes.
Comment: In silico analysis indicates that this missense variant does not alter protein structure/function; Has not been previously published as pathogenic or benign to our knowledge

NM_000228.3(LAMB3):c.55C>A (p.Gln19Lys)

Gene: LAMB3 (laminin subunit beta 3; minus strand). Cytogenetic location: 1q32.2.
Variant type: single nucleotide variant.
Coding change: c.55C>A on transcript NM_000228.3 (MANE Select); coding-DNA position 55, C replaced by A.
Protein change: p.Gln19Lys; replaces glutamine 19 with lysine.
Molecular consequence: missense variant.
Genome position (GRCh38, 1-based): chr1:209,650,092, G>T on the plus strand (C>A on the coding strand, the complement: LAMB3 is on the minus strand). VCF-style: chr1-209650092-G-T. GRCh37 (hg19) VCF-style: chr1-209823437-G-T.
Other names: c.55C>A, p.Gln19Lys (NM_001017402.2, NM_001127641.1); short protein forms Q19K.
Identifiers: ClinVar variation 2387849 (VCV002387849.6), dbSNP rs200672750, ClinGen allele CA1376113.